The following is an entry in ClinVar:

ClinVar aggregate classification (germline): Uncertain significance (1 of 4 stars; one submission).

Conditions:
Nephronophthisis 15 (NPHP15). Identifiers: Orphanet 3156, MedGen C3541853, MONDO:0013917, OMIM 614845.

Submission:

Labcorp Genetics (formerly Invitae), Labcorp
Classification: Uncertain significance for Nephronophthisis 15. Last evaluated: 2025-08-15. Review status: criteria provided, single submitter. Criteria: Invitae Variant Classification Sherloc (09022015). Collection method: clinical testing. Allele origin: germline.
Comment: This sequence change affects codon 971 of the CEP164 mRNA. It is a 'silent' change, meaning that it does not change the encoded amino acid sequence of the CEP164 protein. This variant also falls at the last nucleotide of exon 23, which is part of the consensus splice site for this exon. This variant is not present in population databases (gnomAD no frequency). This variant has not been reported in the literature in individuals affected with CEP164-related conditions. ClinVar contains an entry for this variant (Variation ID: 1443307). Variants that disrupt the consensus splice site are a relatively common cause of aberrant splicing (PMID: 17576681, 9536098). Algorithms developed to predict the effect of sequence changes on RNA splicing suggest that this variant may disrupt the consensus splice site. In summary, the available evidence is currently insufficient to determine the role of this variant in disease. Therefore, it has been classified as a Variant of Uncertain Significance.

Literature cited by the submitters: PubMed 17576681; PubMed 9536098.

NM_014956.5(CEP164):c.2913G>A (p.Glu971=)

Gene: CEP164 (centrosomal protein 164; plus strand). Cytogenetic location: 11q23.3.
Variant type: single nucleotide variant.
Coding change: c.2913G>A on transcript NM_014956.5 (MANE Select); coding-DNA position 2913, G replaced by A.
Protein change: p.Glu971=; no amino-acid change (glutamic acid 971 retained).
Molecular consequence: synonymous variant.
Genome position (GRCh38, 1-based): chr11:117,395,191, G>A. VCF-style: chr11-117395191-G-A. GRCh37 (hg19) VCF-style: chr11-117265907-G-A.
Other names: c.2922G>A, p.Glu974= (NM_001271933.2).
Identifiers: ClinVar variation 1443307 (VCV001443307.8), dbSNP rs2136439892, ClinGen allele CA476897508.